The following is an entry in ClinVar:

NM_004168.4(SDHA):c.312+7G>T

Gene: SDHA (succinate dehydrogenase complex flavoprotein subunit A; plus strand). Cytogenetic location: 5p15.33.
Variant type: single nucleotide variant.
Coding change: c.312+7G>T on transcript NM_004168.4 (MANE Select); 7 bases into the intron after coding-DNA position 312, G replaced by T.
Molecular consequence: intron variant.
Genome position (GRCh38, 1-based): chr5:224,528, G>T. VCF-style: chr5-224528-G-T. GRCh37 (hg19) VCF-style: chr5-224643-G-T.
Other names: c.312+7G>T (NM_001330758.2, NM_001294332.2).
Identifiers: ClinVar variation 1083134 (VCV001083134.10), dbSNP rs2126543454, ClinGen allele CA2499217817.

ClinVar aggregate classification (germline): Likely benign. Review status: criteria provided, multiple submitters, no conflicts (2 of 4 stars). 2 submissions from 2 submitters: Likely benign (2). Last evaluated 2025-02-28.

Conditions:
Pheochromocytoma/paraganglioma syndrome 5. Also called: Paragangliomas 5; SDHA-Related Hereditary Paraganglioma-Pheochromocytoma Syndrome. Identifiers: Orphanet 29072, MedGen C3279992, MONDO:0013602, OMIM 614165.
Mitochondrial complex II deficiency, nuclear type 1. Also called: SUCCINATE CoQ REDUCTASE DEFICIENCY. Identifiers: Orphanet 3208, MedGen C5700310, MONDO:0100294, OMIM 252011.

Submissions (2):

Myriad Genetics, Inc.
Classification: Likely benign for Pheochromocytoma/paraganglioma syndrome 5. Last evaluated: 2025-02-28. Review status: criteria provided, single submitter. Criteria: Myriad Autosomal Dominant, Autosomal Recessive and X-Linked Classification Criteria (2023). Collection method: clinical testing. Allele origin: unknown.
Comment: This variant is considered likely benign. This variant is intronic and is not expected to impact mRNA splicing.

Labcorp Genetics (formerly Invitae), Labcorp
Classification: Likely benign for Pheochromocytoma/paraganglioma syndrome 5; Mitochondrial complex II deficiency, nuclear type 1. Last evaluated: 2021-02-03. Review status: criteria provided, single submitter. Criteria: Invitae Variant Classification Sherloc (09022015). Collection method: clinical testing. Allele origin: germline.